The following is an entry in ClinVar:

NM_001013838.3(CARMIL2):c.3598C>T (p.Arg1200Trp)

Gene: CARMIL2 (capping protein regulator and myosin 1 linker 2; plus strand). Cytogenetic location: 16q22.1.
Variant type: single nucleotide variant.
Coding change: c.3598C>T on transcript NM_001013838.3 (MANE Select); coding-DNA position 3598, C replaced by T.
Protein change: p.Arg1200Trp; replaces arginine 1200 with tryptophan.
Molecular consequence: missense variant.
Genome position (GRCh38, 1-based): chr16:67,654,793, C>T. VCF-style: chr16-67654793-C-T. GRCh37 (hg19) VCF-style: chr16-67688696-C-T.
Other names: c.3490C>T, p.Arg1164Trp (NM_001317026.3, NM_001438244.1, NM_001438835.1); short protein forms R1200W, R1164W.
Identifiers: ClinVar variation 4754118 (VCV004754118.1).

ClinVar aggregate classification (germline): Uncertain significance (1 of 4 stars; one submission).

gnomAD v4.1: 12 of 1,613,136 alleles (0.00074%); highest among the groups gnomAD compares: East Asian, 0.0022%; no homozygotes.

Submission:

Labcorp Genetics (formerly Invitae), Labcorp
Classification: Uncertain significance. Last evaluated: 2025-12-01. Review status: criteria provided, single submitter. Criteria: Invitae Variant Classification Sherloc (09022015). Collection method: clinical testing. Allele origin: germline.
Comment: This sequence change replaces arginine, which is basic and polar, with tryptophan, which is neutral and slightly polar, at codon 1200 of the CARMIL2 protein (p.Arg1200Trp). This variant is not present in population databases (gnomAD no frequency). This variant has not been reported in the literature in individuals affected with CARMIL2-related conditions. Invitae Evidence Modeling of protein sequence and biophysical properties (such as structural, functional, and spatial information, amino acid conservation, physicochemical variation, residue mobility, and thermodynamic stability) indicates that this missense variant is not expected to disrupt CARMIL2 protein function with a negative predictive value of 80%. In summary, the available evidence is currently insufficient to determine the role of this variant in disease. Therefore, it has been classified as a Variant of Uncertain Significance.